The following is an entry in ClinVar:

NM_152722.5(HEPACAM):c.924G>A (p.Met308Ile)

Gene: HEPACAM (hepatic and glial cell adhesion molecule; minus strand). Cytogenetic location: 11q24.2.
Variant type: single nucleotide variant.
Coding change: c.924G>A on transcript NM_152722.5 (MANE Select); coding-DNA position 924, G replaced by A.
Protein change: p.Met308Ile; replaces methionine 308 with isoleucine.
Molecular consequence: missense variant.
Genome position (GRCh38, 1-based): chr11:124,922,412, C>T on the plus strand (G>A on the coding strand, the complement: HEPACAM is on the minus strand). VCF-style: chr11-124922412-C-T. GRCh37 (hg19) VCF-style: chr11-124792308-C-T.
Other names: short protein forms M308I.
Identifiers: ClinVar variation 1309590 (VCV001309590.2), dbSNP rs760396283, ClinGen allele CA383138423.

ClinVar aggregate classification (germline): Uncertain significance (1 of 4 stars; one submission).

gnomAD v4.1: 1 of 1,614,184 alleles (0.000062%); highest among the groups gnomAD compares: African/African-American, 0.0013%; no homozygotes.

Submission:

GeneDx
Classification: Uncertain significance. Last evaluated: 2019-10-30. Review status: criteria provided, single submitter. Criteria: GeneDx Variant Classification Process June 2021. Collection method: clinical testing. Allele origin: germline. Affected: yes.
Comment: Not observed in large population cohorts (Lek et al., 2016); In silico analysis, which includes protein predictors and evolutionary conservation, supports that this variant does not alter protein structure/function; Has not been previously published as pathogenic or benign to our knowledge